The following is an entry in ClinVar:

ClinVar aggregate classification (germline): Conflicting classifications of pathogenicity. Review status: criteria provided, conflicting classifications (1 of 4 stars). 7 submissions from 7 submitters: Uncertain significance (2); Likely benign (4). 1 of the submissions does not count toward it. Last evaluated 2026-09-01.

Conditions:
RTTN-related disorder. Also called: RTTN-related condition.

Allele frequency attached by ClinVar (database versions not stated): 1000 Genomes Project 30x 0.00078; 1000 Genomes Project 0.00080; gnomAD exomes 0.00183 and 0.00357; ExAC 0.00190; TOPMed 0.00204; gnomAD 0.00213 and 0.00216; ESP Exome Variant Server 0.00399.
gnomAD v4.1: 5,509 of 1,613,870 alleles (0.34%); highest among the groups gnomAD compares: Non-Finnish European, 0.44%; 16 homozygotes.

Submissions (7):

CeGaT Center for Human Genetics Tuebingen
Classification: Likely benign. Last evaluated: 2026-09-01. Review status: criteria provided, single submitter. Criteria: CeGaT Center For Human Genetics Tuebingen Variant Classification Criteria Version 2. Collection method: clinical testing. Allele origin: germline. Affected: yes. Observed: 17 variant alleles.
Comment: RTTN: BP4, BS2

Labcorp Genetics (formerly Invitae), Labcorp
Classification: Likely benign. Last evaluated: 2026-01-11. Review status: criteria provided, single submitter. Criteria: Invitae Variant Classification Sherloc (09022015). Collection method: clinical testing. Allele origin: germline.

Blueprint Genetics
Classification: Likely benign. Last evaluated: 2024-11-15. Review status: criteria provided, single submitter. Criteria: ACMG Guidelines, 2015. Collection method: clinical testing. Allele origin: germline.

GeneDx
Classification: Likely benign. Last evaluated: 2023-04-17. Review status: criteria provided, single submitter. Criteria: GeneDx Variant Classification Process June 2021. Collection method: clinical testing. Allele origin: germline. Affected: yes.
Comment: See Variant Classification Assertion Criteria.

Eurofins Ntd Llc (ga)
Classification: Uncertain significance. Last evaluated: 2016-09-26. Review status: criteria provided, single submitter. Criteria: EGL Classification Definitions 2015. Collection method: clinical testing. Allele origin: germline. Observed: 1 variant allele, 1 heterozygote.

Genetic Services Laboratory, University of Chicago
Classification: Uncertain significance. Last evaluated: 2015-11-16. Review status: criteria provided, single submitter. Criteria: ACMG Guidelines, 2015. Collection method: clinical testing. Allele origin: germline. Affected: no.

PreventionGenetics, part of Exact Sciences
Classification: Likely benign for RTTN-related condition. Last evaluated: 2019-12-17. Review status: no assertion criteria provided. Collection method: clinical testing. Allele origin: germline. Not counted in ClinVar's aggregate classification.
Comment: This variant is classified as likely benign based on ACMG/AMP sequence variant interpretation guidelines (Richards et al. 2015 PMID: 25741868, with internal and published modifications).

NM_173630.4(RTTN):c.4193C>T (p.Thr1398Met)

Gene: RTTN (rotatin; minus strand). Cytogenetic location: 18q22.2.
Variant type: single nucleotide variant.
Coding change: c.4193C>T on transcript NM_173630.4 (MANE Select); coding-DNA position 4193, C replaced by T.
Protein change: p.Thr1398Met; replaces threonine 1398 with methionine.
Molecular consequence: missense variant.
Genome position (GRCh38, 1-based): chr18:70,088,098, G>A on the plus strand (C>T on the coding strand, the complement: RTTN is on the minus strand). VCF-style: chr18-70088098-G-A. GRCh37 (hg19) VCF-style: chr18-67755334-G-A.
Other names: c.1457C>T, p.Thr486Met (NM_001318520.2); short protein forms T1398M, T486M.
Identifiers: ClinVar variation 436608 (VCV000436608.49), dbSNP rs62089120, ClinGen allele CA8995357.